The following is an entry in ClinVar:

ClinVar aggregate classification (germline): Pathogenic (1 of 4 stars; one submission).

Submission:

Labcorp Genetics (formerly Invitae), Labcorp
Classification: Pathogenic. Last evaluated: 2023-03-08. Review status: criteria provided, single submitter. Criteria: Invitae Variant Classification Sherloc (09022015). Collection method: clinical testing. Allele origin: germline.
Comment: This variant is not present in population databases (gnomAD no frequency). This sequence change creates a premature translational stop signal (p.Leu263Alafs*55) in the TYR gene. It is expected to result in an absent or disrupted protein product. Loss-of-function variants in TYR are known to be pathogenic (PMID: 23504663). This variant has not been reported in the literature in individuals affected with TYR-related conditions. For these reasons, this variant has been classified as Pathogenic.

Literature cited by the submitters: PubMed 23504663.

NM_000372.5(TYR):c.787_790del (p.Leu263fs)

Gene: TYR (tyrosinase; plus strand). Cytogenetic location: 11q14.3.
Variant type: Deletion.
Coding change: c.787_790del on transcript NM_000372.5 (MANE Select); coding-DNA positions 787 to 790, 4 bases deleted (CTCA; older notation c.787_790delCTCA).
Protein change: p.Leu263fs; shifts the reading frame from leucine 263.
Molecular consequence: frameshift variant.
Genome position (GRCh38, 1-based): chr11:89,178,740-89,178,743, CTCA deleted; deleting any 4 consecutive bases within chr11:89,178,739-89,178,743 gives the same sequence; the c. name uses the placement nearest the transcript's 3' end. VCF-style (leftmost placement, unchanged base first): chr11-89178738-TACTC-T. GRCh37 (hg19) VCF-style: chr11-88911906-TACTC-T.
Other names: short protein forms L263fs.
Identifiers: ClinVar variation 2803168 (VCV002803168.3), dbSNP rs2496530791, ClinGen allele CA2739270733.